The following is an entry in ClinVar:

NM_020631.6(PLEKHG5):c.877C>T (p.Arg293Cys)

Gene: PLEKHG5 (pleckstrin homology and RhoGEF domain containing G5; minus strand). Cytogenetic location: 1p36.31.
Variant type: single nucleotide variant.
Coding change: c.877C>T on transcript NM_020631.6 (MANE Select); coding-DNA position 877, C replaced by T.
Protein change: p.Arg293Cys; replaces arginine 293 with cysteine.
Molecular consequence: missense variant.
Genome position (GRCh38, 1-based): chr1:6,473,093, G>A on the plus strand (C>T on the coding strand, the complement: PLEKHG5 is on the minus strand). VCF-style: chr1-6473093-G-A. GRCh37 (hg19) VCF-style: chr1-6533153-G-A.
Other names: c.988C>T, p.Arg330Cys (NM_001042663.3, NM_001265592.2); c.877C>T, p.Arg293Cys (NM_001042664.2, NM_001042665.2, NM_001265594.3 and 1 more transcripts); c.1084C>T, p.Arg362Cys (NM_001265593.2); short protein forms R293C, R362C, R330C.
Identifiers: ClinVar variation 536778 (VCV000536778.9), dbSNP rs374645103, ClinGen allele CA561721.
Genomic context (GRCh38, chr1:6,473,093, plus strand): 5'-AGGCATTGTCCTCATCCTCGTCTTCATCGTACTCCTCCTCCCAGGAGTCATGGTCGAAGC[G>A]CAGCCCCCGGGGCAGCCTGGGCAGCCCGAAGAGGCTGTAGGTGTGCAGCTTGCCCTCCAG-3'
Protein context (NP_065682.2, residues 283-303): FGLPRLPRGL[Arg293Cys]FDHDSWEEEY

ClinVar aggregate classification (germline): Uncertain significance. Review status: criteria provided, multiple submitters, no conflicts (2 of 4 stars). 2 submissions from 2 submitters: Uncertain significance (2). Last evaluated 2024-08-16.

Conditions:
Charcot-Marie-Tooth disease recessive intermediate C. Also called: CHARCOT-MARIE-TOOTH NEUROPATHY, RECESSIVE INTERMEDIATE C. Identifiers: Orphanet 369867, MedGen C3809309, MONDO:0014154, OMIM 615376.
Neuronopathy, distal hereditary motor, autosomal recessive 4. Also called: Autosomal recessive lower motor neuron disease with childhood onset; NEUROPATHY, DISTAL HEREDITARY MOTOR, AUTOSOMAL RECESSIVE 4. Identifiers: Orphanet 206580, MedGen C1970211, MONDO:0012608, OMIM 611067.

Allele frequency attached by ClinVar (database versions not stated): ExAC 0.00001; gnomAD 0.00001; gnomAD exomes 0.00001; TOPMed 0.00002; ESP Exome Variant Server 0.00008.
gnomAD v4.1: 11 of 1,613,760 alleles (0.00068%); highest among the groups gnomAD compares: Admixed American, 0.0033%; no homozygotes.

Submissions (2):

GeneDx
Classification: Uncertain significance. Last evaluated: 2024-08-16. Review status: criteria provided, single submitter. Criteria: GeneDx Variant Classification Process June 2021. Collection method: clinical testing. Allele origin: germline. Affected: yes.
Comment: Not observed at significant frequency in large population cohorts (gnomAD); In silico analysis indicates that this missense variant does not alter protein structure/function; Has not been previously published as pathogenic or benign to our knowledge

Labcorp Genetics (formerly Invitae), Labcorp
Classification: Uncertain significance for Neuronopathy, distal hereditary motor, autosomal recessive 4; Charcot-Marie-Tooth disease recessive intermediate C. Last evaluated: 2022-06-24. Review status: criteria provided, single submitter. Criteria: Invitae Variant Classification Sherloc (09022015). Collection method: clinical testing. Allele origin: germline.
Comment: This sequence change replaces arginine, which is basic and polar, with cysteine, which is neutral and slightly polar, at codon 293 of the PLEKHG5 protein (p.Arg293Cys). This variant is present in population databases (rs374645103, gnomAD 0.007%). This variant has not been reported in the literature in individuals affected with PLEKHG5-related conditions. ClinVar contains an entry for this variant (Variation ID: 536778). Algorithms developed to predict the effect of missense changes on protein structure and function output the following: SIFT: "Tolerated"; PolyPhen-2: "Benign"; Align-GVGD: "Class C0". The cysteine amino acid residue is found in multiple mammalian species, which suggests that this missense change does not adversely affect protein function. In summary, the available evidence is currently insufficient to determine the role of this variant in disease. Therefore, it has been classified as a Variant of Uncertain Significance.